The following is an entry in ClinVar:

ClinVar aggregate classification (germline): Uncertain significance. Review status: criteria provided, multiple submitters, no conflicts (2 of 4 stars). 4 submissions from 4 submitters: Uncertain significance (3). 1 of the submissions does not count toward it. Last evaluated 2024-11-13.

Conditions:
Infantile nephronophthisis (NPHP2). Also called: Nephronophthisis 2; Nephronophthisis 2, infantile. Identifiers: Orphanet 655, Orphanet 93591, MedGen C1865872, MONDO:0011190, OMIM 602088.
INVS-related disorder. Also called: INVS-related condition.

Allele frequency attached by ClinVar (database versions not stated): gnomAD 0.00001; TOPMed 0.00001.
gnomAD v4.1: 1 of 1,613,646 alleles (0.000062%); highest among the groups gnomAD compares: Admixed American, 0.0017%; no homozygotes.

Submissions (4):

GeneDx
Classification: Uncertain significance. Last evaluated: 2024-11-13. Review status: criteria provided, single submitter. Criteria: GeneDx Variant Classification Process June 2021. Collection method: clinical testing. Allele origin: germline. Affected: yes.
Comment: Not observed at significant frequency in large population cohorts (gnomAD); In silico analysis supports that this missense variant has a deleterious effect on protein structure/function; Has not been previously published as pathogenic or benign to our knowledge

Fulgent Genetics
Classification: Uncertain significance for Infantile nephronophthisis. Last evaluated: 2024-02-03. Review status: criteria provided, single submitter. Criteria: ACMG Guidelines, 2015. Collection method: clinical testing. Allele origin: germline.

Mayo Clinic Laboratories, Mayo Clinic
Classification: Uncertain significance. Last evaluated: 2021-06-09. Review status: criteria provided, single submitter. Criteria: ACMG Guidelines, 2015. Collection method: clinical testing. Allele origin: germline.

PreventionGenetics, part of Exact Sciences
Classification: Uncertain significance for INVS-related condition. Last evaluated: 2024-03-01. Review status: no assertion criteria provided. Collection method: clinical testing. Allele origin: germline. Not counted in ClinVar's aggregate classification.
Comment: The INVS c.1508A>G variant is predicted to result in the amino acid substitution p.Asp503Gly. To our knowledge, this variant has not been reported in the literature or in a large population database, indicating this variant is rare. At this time, the clinical significance of this variant is uncertain due to the absence of conclusive functional and genetic evidence.

NM_014425.5(INVS):c.1508A>G (p.Asp503Gly)

Gene: INVS (inversin; plus strand). Cytogenetic location: 9q31.1.
Variant type: single nucleotide variant.
Coding change: c.1508A>G on transcript NM_014425.5 (MANE Select); coding-DNA position 1508, A replaced by G.
Protein change: p.Asp503Gly; replaces aspartic acid 503 with glycine.
Molecular consequence: missense variant. On other transcripts: non-coding transcript variant (1).
Genome position (GRCh38, 1-based): chr9:100,264,865, A>G. VCF-style: chr9-100264865-A-G. GRCh37 (hg19) VCF-style: chr9-103027147-A-G.
Other names: p.Asp503Gly; c.1220A>G, p.Asp407Gly (NM_001318381.2); c.530A>G, p.Asp177Gly (NM_001318382.2); c.1508A>G (NM_014425.4, NM_014425.3); short protein forms D177G, D407G, D503G.
Identifiers: ClinVar variation 1694002 (VCV001694002.8), dbSNP rs1832737838, ClinGen allele CA374236508.